The following is an entry in ClinVar:

ClinVar aggregate classification (germline): Benign (1 of 4 stars; one submission).

Conditions:
Pheochromocytoma/paraganglioma syndrome 3. Also called: GLOMUS TUMORS, FAMILIAL, 3; Paragangliomas 3; SDHC-Related Hereditary Paraganglioma-Pheochromocytoma Syndrome (Paragangliomas 3); SDHC-Related Hereditary Paraganglioma-Pheochromocytoma Syndrome. Identifiers: Orphanet 29072, MedGen C1854336, MONDO:0011544, OMIM 605373.

Submission:

Myriad Genetics, Inc.
Classification: Benign for Pheochromocytoma/paraganglioma syndrome 3. Last evaluated: 2025-03-17. Review status: criteria provided, single submitter. Criteria: Myriad Autosomal Dominant, Autosomal Recessive and X-Linked Classification Criteria (2023). Collection method: clinical testing. Allele origin: unknown.
Comment: This variant is considered benign. This variant occurs in the non-coding 3' untranslated region of the gene and is not expected to impact protein function.

NM_003001.5(SDHC):c.*2G>C

Gene: SDHC (succinate dehydrogenase complex subunit C; plus strand). Cytogenetic location: 1q23.3.
Variant type: single nucleotide variant.
Coding change: c.*2G>C on transcript NM_003001.5 (MANE Select); 2 bases downstream of the stop codon, G replaced by C.
Molecular consequence: 3 prime UTR variant. On other transcripts: missense variant (3), non-coding transcript variant (1).
Genome position (GRCh38, 1-based): chr1:161,362,435, G>C. VCF-style: chr1-161362435-G-C. GRCh37 (hg19) VCF-style: chr1-161332225-G-C.
Other names: c.348G>C, p.Lys116Asn (NM_001035511.3); c.*2G>C (NM_001035512.3, NM_001035513.3, NM_001407115.1 and 5 more transcripts); c.246G>C, p.Lys82Asn (NM_001278172.3); c.291G>C, p.Lys97Asn (NM_001407121.1); short protein forms K116N, K82N, K97N.
Identifiers: ClinVar variation 3904454 (VCV003904454.1).